The following is an entry in ClinVar:

NM_007294.4(BRCA1):c.5193+18C>G

Gene: BRCA1 (BRCA1 DNA repair associated; minus strand). Cytogenetic location: 17q21.31.
Variant type: single nucleotide variant.
Coding change: c.5193+18C>G on transcript NM_007294.4 (MANE Select); 18 bases into the intron after coding-DNA position 5193, C replaced by G.
Molecular consequence: intron variant.
Genome position (GRCh38, 1-based): chr17:43,063,315, G>C on the plus strand (C>G on the coding strand, the complement: BRCA1 is on the minus strand). VCF-style: chr17-43063315-G-C. GRCh37 (hg19) VCF-style: chr17-41215332-G-C.
Other names: c.1740+18C>G (NM_001408458.1, NM_001408461.1, NM_001408464.1 and 7 more transcripts); c.4302+18C>G (NM_001407967.1); c.4812+18C>G (NM_001407959.1); c.4926+18C>G (NM_001407931.1, NM_001407932.1, NM_001407928.1 and 4 more transcripts); c.5049+18C>G (NM_001407747.1, NM_001407745.1, NM_001407737.1 and 21 more transcripts); c.4809+18C>G (NM_001407962.1, NM_001407960.1); c.1380+18C>G (NM_001408512.1); c.1503+18C>G (NM_001408510.1); and 72 more.
Identifiers: ClinVar variation 867480 (VCV000867480.8), dbSNP rs2051849852, ClinGen allele CA916080000.
Genomic context (GRCh38, chr17:43,063,315, plus strand): 5'-GATGGAAGGAAGCAAATACATTTTTAACTATATGACTGAATGAATATCTCTGGTTAGTTT[G>C]TAACATCAAGTACTTACCTCATTCAGCATTTTTCTTTCTTTAATAGACTGGGTCACCCCT-3'

ClinVar aggregate classification (germline): Likely benign (1 of 4 stars; one submission).

Conditions:
Hereditary breast ovarian cancer syndrome. Also called: Hereditary breast and/or ovarian cancer syndrome; BRCA1- and BRCA2-Associated Hereditary Breast and Ovarian Cancer; Hereditary breast and ovarian cancer syndrome; Hereditary breast and ovarian cancer; Hereditary breast and ovarian cancer syndrome (HBOC); Breast and ovarian cancer. Identifiers: Orphanet 145, MedGen C0677776, MeSH D061325, MONDO:0003582. Disease mechanism: loss of function.

gnomAD v4.1: 2 of 1,589,392 alleles (0.00013%); no homozygotes.

Submissions (2):

Labcorp Genetics (formerly Invitae), Labcorp
Classification: Likely benign for Hereditary breast ovarian cancer syndrome. Last evaluated: 2022-04-26. Review status: criteria provided, single submitter. Criteria: Invitae Variant Classification Sherloc (09022015). Collection method: clinical testing. Allele origin: germline.

Brotman Baty Institute, University of Washington
No classification provided (evidence only). Condition: Breast-ovarian cancer, familial 1. Review status: no classification provided. Collection method: in vitro. Allele origin: not applicable. Functional consequence: functionally_normal. Not counted in ClinVar's aggregate classification.
ClinVar note: "not provided" was previously submitted as the classification for the variant. However, the classification appeared to be based only on an observation of functional data so it was converted to no classification on 2025-07-30.